The following is an entry in ClinVar:

NM_001025603.2(RFX5):c.1406C>T (p.Pro469Leu)

Gene: RFX5 (regulatory factor X5; minus strand). Cytogenetic location: 1q21.3.
Variant type: single nucleotide variant.
Coding change: c.1406C>T on transcript NM_001025603.2 (MANE Select); coding-DNA position 1406, C replaced by T.
Protein change: p.Pro469Leu; replaces proline 469 with leucine.
Molecular consequence: missense variant.
Genome position (GRCh38, 1-based): chr1:151,342,631, G>A on the plus strand (C>T on the coding strand, the complement: RFX5 is on the minus strand). VCF-style: chr1-151342631-G-A. GRCh37 (hg19) VCF-style: chr1-151315107-G-A.
Other names: c.1406C>T, p.Pro469Leu (NM_000449.4, NM_001379412.1, NM_001379413.1 and 5 more transcripts); c.1286C>T, p.Pro429Leu (NM_001379419.1, NM_001379420.1); short protein forms P469L, P429L.
Identifiers: ClinVar variation 653735 (VCV000653735.8), dbSNP rs756355701, ClinGen allele CA1089604.

ClinVar aggregate classification (germline): Uncertain significance. Review status: criteria provided, multiple submitters, no conflicts (2 of 4 stars). 2 submissions from 2 submitters: Uncertain significance (2). Last evaluated 2024-08-29.

Conditions:
MHC class II deficiency. Also called: BLS, TYPE II; Bare lymphocyte syndrome 2. Identifiers: Orphanet 572, MedGen C5447452, MONDO:0008855.

Allele frequency attached by ClinVar (database versions not stated): gnomAD 0.00001; TOPMed 0.00001; ExAC 0.00002; gnomAD exomes 0.00002.

Submissions (2):

Blueprint Genetics
Classification: Uncertain significance. Last evaluated: 2024-08-29. Review status: criteria provided, single submitter. Criteria: ACMG Guidelines, 2015. Collection method: clinical testing. Allele origin: germline.

Labcorp Genetics (formerly Invitae), Labcorp
Classification: Uncertain significance for MHC class II deficiency. Last evaluated: 2018-09-10. Review status: criteria provided, single submitter. Criteria: Invitae Variant Classification Sherloc (09022015). Collection method: clinical testing. Allele origin: germline.
Comment: In summary, the available evidence is currently insufficient to determine the role of this variant in disease. Therefore, it has been classified as a Variant of Uncertain Significance. Algorithms developed to predict the effect of missense changes on protein structure and function are either unavailable or do not agree on the potential impact of this missense change (SIFT: "Tolerated"; PolyPhen-2: "Probably Damaging"; Align-GVGD: "Class C0"). This variant has not been reported in the literature in individuals with RFX5-related disease. This variant is present in population databases (rs756355701, ExAC 0.003%). This sequence change replaces proline with leucine at codon 469 of the RFX5 protein (p.Pro469Leu). The proline residue is moderately conserved and there is a moderate physicochemical difference between proline and leucine.